The following is an entry in ClinVar:

ClinVar aggregate classification (germline): Conflicting classifications of pathogenicity. Review status: criteria provided, conflicting classifications (1 of 4 stars). 2 submissions from 2 submitters: Uncertain significance (1); Likely benign (1). Last evaluated 2025-03-17.

Conditions:
GALC-related disorder. Also called: GALC-related condition.
Galactosylceramide beta-galactosidase deficiency. Also called: Krabbe Disease; GALACTOCEREBROSIDASE DEFICIENCY; GALC DEFICIENCY; GLOBOID CELL LEUKOENCEPHALOPATHY; Leukodystrophy, Globoid Cell. Identifiers: Orphanet 487, MedGen C0023521, MONDO:0009499, OMIM 245200.

Allele frequency attached by ClinVar (database versions not stated): gnomAD 0.00001.
gnomAD v4.1: 17 of 1,587,670 alleles (0.0011%); highest among the groups gnomAD compares: Admixed American, 0.0018%; no homozygotes.

Submissions (2):

Labcorp Genetics (formerly Invitae), Labcorp
Classification: Uncertain significance for Galactosylceramide beta-galactosidase deficiency. Last evaluated: 2025-03-17. Review status: criteria provided, single submitter. Criteria: Invitae Variant Classification Sherloc (09022015). Collection method: clinical testing. Allele origin: germline.
Comment: This sequence change replaces alanine, which is neutral and non-polar, with alanine, which is neutral and non-polar, at codon 21 of the GALC protein (Silent). The frequency data for this variant in the population databases is considered unreliable, as metrics indicate poor data quality at this position in the gnomAD database. This variant has not been reported in the literature in individuals affected with GALC-related conditions. ClinVar contains an entry for this variant (Variation ID: 2148153). Algorithms developed to predict the effect of sequence changes on RNA splicing suggest that this variant is not likely to affect RNA splicing. In summary, the available evidence is currently insufficient to determine the role of this variant in disease. Therefore, it has been classified as a Variant of Uncertain Significance.

PreventionGenetics, part of Exact Sciences
Classification: Likely benign for GALC-related condition. Last evaluated: 2024-11-13. Review status: criteria provided, single submitter. Criteria: ACMG Guidelines, 2015. Collection method: clinical testing. Allele origin: germline.
Comment: This variant is classified as likely benign based on ACMG/AMP sequence variant interpretation guidelines (Richards et al. 2015 PMID: 25741868, with internal and published modifications).

NM_000153.4(GALC):c.63G>A (p.Ala21=)

Gene: GALC (galactosylceramidase; minus strand). Cytogenetic location: 14q31.3.
Variant type: single nucleotide variant.
Coding change: c.63G>A on transcript NM_000153.4 (MANE Select); coding-DNA position 63, G replaced by A.
Protein change: p.Ala21=; no amino-acid change (alanine 21 retained).
Molecular consequence: synonymous variant. On other transcripts: intron variant (1).
Genome position (GRCh38, 1-based): chr14:87,993,102, C>T on the plus strand (G>A on the coding strand, the complement: GALC is on the minus strand). VCF-style: chr14-87993102-C-T. GRCh37 (hg19) VCF-style: chr14-88459446-C-T.
Other names: c.63G>A, p.Ala21= (NM_001201401.2); c.117+281G>A (NM_001201402.2); c.63G>A (NM_000153.3).
Identifiers: ClinVar variation 2148153 (VCV002148153.3), dbSNP rs756641128, ClinGen allele CA265469459.